The following is an entry in ClinVar:

ClinVar aggregate classification (germline): Uncertain significance (1 of 4 stars; one submission).

Conditions:
Primary hyperoxaluria type 3. Also called: PH III. Identifiers: Orphanet 416, Orphanet 93600, MedGen C3150878, MONDO:0013327, OMIM 613616. Disease mechanism: loss of function.

gnomAD v4.1: 1 of 1,614,140 alleles (0.000062%); no homozygotes.

Submission:

Clinical Biochemistry Laboratory, Health Services Laboratory
Classification: Uncertain significance for Primary hyperoxaluria type 3. Last evaluated: 2023-10-27. Review status: criteria provided, single submitter. Criteria: ACMG Guidelines, 2015. Collection method: curation. Allele origin: germline. Affected: yes.
Comment: ACMG:PM2 PM3 BP1

Literature cited by the submitters: PubMed 31078535; PubMed 3386585; PubMed 28711958.

NM_138413.4(HOGA1):c.661G>C (p.Ala221Pro)

Gene: HOGA1 (4-hydroxy-2-oxoglutarate aldolase 1; plus strand). Cytogenetic location: 10q24.2.
Variant type: single nucleotide variant.
Coding change: c.661G>C on transcript NM_138413.4 (MANE Select); coding-DNA position 661, G replaced by C.
Protein change: p.Ala221Pro; replaces alanine 221 with proline.
Molecular consequence: missense variant. On other transcripts: intron variant (1).
Genome position (GRCh38, 1-based): chr10:97,600,124, G>C. VCF-style: chr10-97600124-G-C. GRCh37 (hg19) VCF-style: chr10-99359881-G-C.
Other names: c.212-1733G>C (NM_001134670.2); short protein forms A221P.
Identifiers: ClinVar variation 2664397 (VCV002664397.1), dbSNP rs2041104991, ClinGen allele CA377979574.